The following is an entry in ClinVar:

ClinVar aggregate classification (germline): Conflicting classifications of pathogenicity. Review status: criteria provided, conflicting classifications (1 of 4 stars). 3 submissions from 3 submitters: Uncertain significance (1); Likely benign (2). Last evaluated 2025-12-08.

Conditions:
Inborn genetic diseases. Identifiers: MedGen C0950123, MeSH D030342.
Autosomal dominant childhood-onset proximal spinal muscular atrophy without contractures. Also called: KUGELBERG-WELANDER SYNDROME, AUTOSOMAL DOMINANT; SPINAL MUSCULAR ATROPHY, JUVENILE, PROXIMAL, AUTOSOMAL DOMINANT; Spinal muscular atrophy, lower extremity-predominant 1, AD; SPINAL MUSCULAR ATROPHY, CHILDHOOD, PROXIMAL, AUTOSOMAL DOMINANT. Identifiers: Orphanet 209341, Orphanet 363447, MedGen C5780022, MONDO:0008026, OMIM 158600.
Charcot-Marie-Tooth disease axonal type 2O. Also called: Charcot-Marie-Tooth disease, axonal, type 20; CHARCOT-MARIE-TOOTH NEUROPATHY, AXONAL, TYPE 2O; CHARCOT-MARIE-TOOTH DISEASE, AXONAL, AUTOSOMAL DOMINANT, TYPE 2O; Charcot-Marie-Tooth Neuropathy Type 2O. Identifiers: Orphanet 284232, MedGen C3280220, MONDO:0013644, OMIM 614228.
Cortical dysplasia, complex, with other brain malformations 13. Also called: Intellectual disability, autosomal dominant 13. Identifiers: MedGen C3281202, MONDO:0013805, OMIM 614563.

Allele frequency attached by ClinVar (database versions not stated): gnomAD 0.00001 and 0.00002; gnomAD exomes 0.00001 and 0.00006; TOPMed 0.00003; ExAC 0.00005; 1000 Genomes Project 0.00020; 1000 Genomes Project 30x 0.00031.
gnomAD v4.1: 20 of 1,614,188 alleles (0.0012%); highest among the groups gnomAD compares: Admixed American, 0.028%; no homozygotes.

Submissions (3):

Labcorp Genetics (formerly Invitae), Labcorp
Classification: Likely benign for Charcot-Marie-Tooth disease axonal type 2O. Last evaluated: 2025-12-08. Review status: criteria provided, single submitter. Criteria: Invitae Variant Classification Sherloc (09022015). Collection method: clinical testing. Allele origin: germline.

Ambry Genetics
Classification: Likely benign for Inborn genetic diseases. Last evaluated: 2024-01-22. Review status: criteria provided, single submitter. Criteria: Ambry Variant Classification Scheme 2023. Collection method: clinical testing. Allele origin: germline.

Center for Genomics, Ann and Robert H. Lurie Children's Hospital of Chicago
Classification: Uncertain significance for Charcot-Marie-Tooth disease axonal type 2O; Autosomal dominant childhood-onset proximal spinal muscular atrophy without contractures; Cortical dysplasia, complex, with other brain malformations 13. Review status: criteria provided, single submitter. Criteria: ACMG Guidelines, 2015. Collection method: clinical testing. Allele origin: germline.
Comment: DYNC1H1 NM_001376 exon 78 p.Glu4625Lys (c.13873G>A): This variant has not been reported in the literature but is is present in 14/34420 Latino alleles in the Genome Aggregation Database. Evolutionary conservation and computational predictive tools for this variant are unclear. In summary, data on this variant is insufficient for disease classification. Therefore, the clinical significance of this variant is uncertain

NM_001376.5(DYNC1H1):c.13873G>A (p.Glu4625Lys)

Gene: DYNC1H1 (dynein cytoplasmic 1 heavy chain 1; plus strand). Cytogenetic location: 14q32.31.
Variant type: single nucleotide variant.
Coding change: c.13873G>A on transcript NM_001376.5 (MANE Select); coding-DNA position 13873, G replaced by A.
Protein change: p.Glu4625Lys; replaces glutamic acid 4625 with lysine.
Molecular consequence: missense variant.
Genome position (GRCh38, 1-based): chr14:102,050,495, G>A. VCF-style: chr14-102050495-G-A. GRCh37 (hg19) VCF-style: chr14-102516832-G-A.
Other names: short protein forms E4625K.
Identifiers: ClinVar variation 539767 (VCV000539767.15), dbSNP rs200149883, ClinGen allele CA7354387.